The following is an entry in ClinVar:

NM_002180.3(IGHMBP2):c.2612-13G>A

Gene: IGHMBP2 (immunoglobulin mu DNA binding protein 2; plus strand). Cytogenetic location: 11q13.3.
Variant type: single nucleotide variant.
Coding change: c.2612-13G>A on transcript NM_002180.3 (MANE Select); 13 bases into the intron before coding-DNA position 2612, G replaced by A.
Molecular consequence: intron variant.
Genome position (GRCh38, 1-based): chr11:68,938,169, G>A. VCF-style: chr11-68938169-G-A. GRCh37 (hg19) VCF-style: chr11-68705637-G-A.
Identifiers: ClinVar variation 389928 (VCV000389928.11), dbSNP rs369494910, ClinGen allele CA6153969.

ClinVar aggregate classification (germline): Conflicting classifications of pathogenicity. Review status: criteria provided, conflicting classifications (1 of 4 stars). 2 submissions from 2 submitters: Uncertain significance (1); Likely benign (1). Last evaluated 2024-07-01.

Conditions:
Autosomal recessive distal spinal muscular atrophy 1. Also called: NEURONOPATHY, SEVERE INFANTILE AXONAL, WITH RESPIRATORY FAILURE; SEVERE INFANTILE AXONAL NEUROPATHY WITH RESPIRATORY FAILURE; SPINAL MUSCULAR ATROPHY, DIAPHRAGMATIC; Spinal muscular atrophy with respiratory distress 1; HMN VI; NEURONOPATHY, DISTAL HEREDITARY MOTOR, HARDING TYPE VI. Identifiers: Orphanet 98920, MedGen C1858517, MONDO:0011436, OMIM 604320.
Charcot-Marie-Tooth disease axonal type 2S. Also called: CHARCOT-MARIE-TOOTH NEUROPATHY, TYPE 2S; CHARCOT-MARIE-TOOTH DISEASE, AXONAL, AUTOSOMAL RECESSIVE, TYPE 2S. Identifiers: Orphanet 443073, MedGen C4015349, MONDO:0014511, OMIM 616155.

Allele frequency attached by ClinVar (database versions not stated): gnomAD exomes 0.00005 and 0.00011; ExAC 0.00006; TOPMed 0.00006; gnomAD 0.00008 and 0.00009; ESP Exome Variant Server 0.00015.
gnomAD v4.1: 185 of 1,613,790 alleles (0.011%); highest among the groups gnomAD compares: Non-Finnish European, 0.014%; no homozygotes.

Submissions (2):

Labcorp Genetics (formerly Invitae), Labcorp
Classification: Likely benign for Autosomal recessive distal spinal muscular atrophy 1; Charcot-Marie-Tooth disease axonal type 2S. Last evaluated: 2024-07-01. Review status: criteria provided, single submitter. Criteria: Invitae Variant Classification Sherloc (09022015). Collection method: clinical testing. Allele origin: germline.

GeneDx
Classification: Uncertain significance. Last evaluated: 2019-07-18. Review status: criteria provided, single submitter. Criteria: GeneDx Variant Classification Process June 2021. Collection method: clinical testing. Allele origin: germline. Affected: yes.
Comment: Not observed at a significant frequency in large population cohorts (Lek et al., 2016); Has not been previously published as pathogenic or benign to our knowledge; In silico analysis, which includes splice predictors and evolutionary conservation, suggests this variant may impact gene splicing. In the absence of RNA/functional studies, the actual effect of this sequence change is unknown.